The following is an entry in ClinVar:

ClinVar aggregate classification (germline): Uncertain significance. Review status: criteria provided, multiple submitters, no conflicts (2 of 4 stars). 5 submissions from 5 submitters: Uncertain significance (5). Last evaluated 2026-01-01.

Conditions:
Atrial fibrillation, familial, 13 (ATFB13). Identifiers: MedGen C3809311, MONDO:0014155, OMIM 615377.
Brugada syndrome 5 (BRGDA5). Identifiers: Orphanet 130, Orphanet 871, MedGen C2748541, MONDO:0013015, OMIM 612838.
Generalized epilepsy with febrile seizures plus, type 1 (GEFSP1). Also called: GEFS+, TYPE 1. Identifiers: Orphanet 36387, MedGen C1858672, MONDO:0011416, OMIM 604233.
Developmental and epileptic encephalopathy, 52 (DEE52). Also called: Epileptic encephalopathy, early infantile, 52. Identifiers: MedGen C4479236, MONDO:0033361, OMIM 617350.
Cardiovascular phenotype. Identifiers: MedGen CN230736.

Allele frequency attached by ClinVar (database versions not stated): gnomAD exomes below 0.00001 and 0.00001; ExAC 0.00001; gnomAD 0.00001; TOPMed 0.00001.
gnomAD v4.1: 6 of 1,614,026 alleles (0.00037%); highest among the groups gnomAD compares: South Asian, 0.0033%; no homozygotes.

Submissions (5):

Labcorp Genetics (formerly Invitae), Labcorp
Classification: Uncertain significance for Brugada syndrome 5. Last evaluated: 2026-01-01. Review status: criteria provided, single submitter. Criteria: Invitae Variant Classification Sherloc (09022015). Collection method: clinical testing. Allele origin: germline.
Comment: This sequence change replaces arginine, which is basic and polar, with cysteine, which is neutral and slightly polar, at codon 45 of the SCN1B protein (p.Arg45Cys). This variant is present in population databases (rs757554677, gnomAD 0.006%). This missense change has been observed in individual(s) with generalized epilepsy with febrile seizures, plus (PMID: 38174099). ClinVar contains an entry for this variant (Variation ID: 436652). An algorithm developed to predict the effect of missense changes on protein structure and function (PolyPhen-2) suggests that this variant is likely to be disruptive. In summary, the available evidence is currently insufficient to determine the role of this variant in disease. Therefore, it has been classified as a Variant of Uncertain Significance.

Ambry Genetics
Classification: Uncertain significance for Cardiovascular phenotype. Last evaluated: 2025-06-05. Review status: criteria provided, single submitter. Criteria: Ambry Variant Classification Scheme 2023. Collection method: clinical testing. Allele origin: germline.
Comment: The p.R45C variant (also known as c.133C>T), located in coding exon 2 of the SCN1B gene, results from a C to T substitution at nucleotide position 133. The arginine at codon 45 is replaced by cysteine, an amino acid with highly dissimilar properties. This variant was reported in individual(s) with features consistent with epilepsy (Nat Neurosci, 2024 Oct;27:1864-1879; Truty R et al. Epilepsia Open, 2019 Sep;4:397-408). This amino acid position is well conserved in available vertebrate species. In addition, the in silico prediction for this alteration is inconclusive. Based on the available evidence, the clinical significance of this variant remains unclear.

Fulgent Genetics
Classification: Uncertain significance for Generalized epilepsy with febrile seizures plus, type 1; Brugada syndrome 5; Atrial fibrillation, familial, 13; Developmental and epileptic encephalopathy, 52. Last evaluated: 2021-09-13. Review status: criteria provided, single submitter. Criteria: ACMG Guidelines, 2015. Collection method: clinical testing. Allele origin: unknown.

GeneDx
Classification: Uncertain significance. Last evaluated: 2020-10-22. Review status: criteria provided, single submitter. Criteria: GeneDx Variant Classification Process June 2021. Collection method: clinical testing. Allele origin: germline. Affected: yes.
Comment: Not observed at a significant frequency in large population cohorts (Lek et al., 2016); In silico analysis supports that this missense variant has a deleterious effect on protein structure/function; Located within extracellular topological domain; Has not been previously published as pathogenic or benign to our knowledge

Genetic Services Laboratory, University of Chicago
Classification: Uncertain significance. Last evaluated: 2016-08-25. Review status: criteria provided, single submitter. Criteria: ACMG Guidelines, 2015. Collection method: clinical testing. Allele origin: germline. Affected: no.

Literature cited by the submitters: PubMed 38174099 (cited by Labcorp Genetics (formerly Invitae), Labcorp); PubMed 31440721 (cited by Ambry Genetics); PubMed 39363051 (cited by Ambry Genetics).

NM_001037.5(SCN1B):c.133C>T (p.Arg45Cys)

Gene: SCN1B (sodium voltage-gated channel beta subunit 1; plus strand). Cytogenetic location: 19q13.11.
Variant type: single nucleotide variant.
Coding change: c.133C>T on transcript NM_001037.5 (MANE Select); coding-DNA position 133, C replaced by T.
Protein change: p.Arg45Cys; replaces arginine 45 with cysteine.
Molecular consequence: missense variant.
Genome position (GRCh38, 1-based): chr19:35,032,620, C>T. VCF-style: chr19-35032620-C-T. GRCh37 (hg19) VCF-style: chr19-35523524-C-T.
Other names: c.34C>T, p.Arg12Cys (NM_001321605.2); c.133C>T, p.Arg45Cys (NM_199037.5); short protein forms R45C, R12C.
Identifiers: ClinVar variation 436652 (VCV000436652.16), dbSNP rs757554677, ClinGen allele CA9371961.
Genomic context (GRCh38, chr19:35,032,620, plus strand): 5'-GACTCGGAGACCGAGGCCGTGTATGGGATGACCTTCAAAATTCTTTGCATCTCCTGCAAG[C>T]GCCGCAGCGAGACCAACGCTGAGACCTTCACCGAGTGGACCTTCCGCCAGAAGGGCACTG-3'
Protein context (NP_001028.1, residues 35-55): TFKILCISCK[Arg45Cys]RSETNAETFT